The following is an entry in ClinVar:

ClinVar aggregate classification (germline): Uncertain significance. Review status: criteria provided, multiple submitters, no conflicts (2 of 4 stars). 2 submissions from 2 submitters: Uncertain significance (2). Last evaluated 2024-08-30.

Conditions:
Wilson disease (WND). Also called: Wilson's disease. Identifiers: Orphanet 905, MedGen C0019202, MONDO:0010200, OMIM 277900. Disease mechanism: loss of function.

Allele frequency attached by ClinVar (database versions not stated): TOPMed below 0.00001; ExAC 0.00001.
gnomAD v4.1: 4 of 1,614,064 alleles (0.00025%); highest among the groups gnomAD compares: Non-Finnish European, 0.00025%; no homozygotes.

Submissions (2):

All of Us Research Program, National Institutes of Health
Classification: Uncertain significance for Wilson disease. Last evaluated: 2024-08-30. Review status: criteria provided, single submitter. Criteria: ACMG Guidelines, 2015. Collection method: clinical testing. Allele origin: germline. Inheritance: Autosomal recessive inheritance. Observed: 9 variant alleles, 9 heterozygotes.
Comment: This missense variant replaces histidine with tyrosine at codon 1403 of the ATP7B protein. Computational prediction suggests that this variant may not impact protein structure and function (internally defined REVEL score threshold <= 0.5, PMID: 27666373). To our knowledge, functional studies have not been reported for this variant. This variant has not been reported in individuals affected with Wilson disease in the literature. This variant has been identified in 1/247816 chromosomes in the general population by the Genome Aggregation Database (gnomAD). The available evidence is insufficient to determine the role of this variant in disease conclusively. Therefore, this variant is classified as a Variant of Uncertain Significance.

This study involves interpretation of variants in research participants for the purpose of population health screening. Participant phenotype was not available at the time of variant classification. Additional details can be found in publication PMID: 35346344, PMCID: PMC8962531

Color Diagnostics, LLC DBA Color Health
Classification: Uncertain significance for Wilson disease. Last evaluated: 2024-03-06. Review status: criteria provided, single submitter. Criteria: ACMG Guidelines, 2015. Collection method: clinical testing. Allele origin: germline.
Comment: This missense variant replaces histidine with tyrosine at codon 1403 of the ATP7B protein. Computational prediction suggests that this variant may not impact protein structure and function. To our knowledge, functional studies have not been reported for this variant. This variant has not been reported in individuals affected with Wilson disease in the literature. This variant has been identified in 1/247816 chromosomes in the general population by the Genome Aggregation Database (gnomAD). The available evidence is insufficient to determine the role of this variant in disease conclusively. Therefore, this variant is classified as a Variant of Uncertain Significance.

NM_000053.4(ATP7B):c.4207C>T (p.His1403Tyr)

Gene: ATP7B (ATPase copper transporting beta; minus strand). Cytogenetic location: 13q14.3.
Variant type: single nucleotide variant.
Coding change: c.4207C>T on transcript NM_000053.4 (MANE Select); coding-DNA position 4207, C replaced by T.
Protein change: p.His1403Tyr; replaces histidine 1403 with tyrosine.
Molecular consequence: missense variant.
Genome position (GRCh38, 1-based): chr13:51,934,947, G>A on the plus strand (C>T on the coding strand, the complement: ATP7B is on the minus strand). VCF-style: chr13-51934947-G-A. GRCh37 (hg19) VCF-style: chr13-52509083-G-A.
Other names: c.3586C>T, p.His1196Tyr (NM_001005918.3); c.3874C>T, p.His1292Tyr (NM_001243182.2); c.3973C>T, p.His1325Tyr (NM_001330578.2, NM_001406527.1, NM_001406528.1); c.3955C>T, p.His1319Tyr (NM_001330579.2, NM_001406531.1, NM_001406532.1); c.4207C>T, p.His1403Tyr (NM_001406511.1, NM_001406512.1); c.4201C>T, p.His1401Tyr (NM_001406513.1); c.4174C>T, p.His1392Tyr (NM_001406514.1); c.4153C>T, p.His1385Tyr (NM_001406515.1, NM_001406516.1); and 21 more; short protein forms H1122Y, H1176Y, H1187Y, H1196Y, H1209Y, H1239Y, H1241Y, H1254Y.
Identifiers: ClinVar variation 3075574 (VCV003075574.3), dbSNP rs572639840, ClinGen allele CA6988456.